The following is an entry in ClinVar:

NM_000593.6(TAP1):c.362C>T (p.Ala121Val)

Gene: TAP1 (transporter 1, ATP binding cassette subfamily B member; minus strand). Cytogenetic location: 6p21.32.
Variant type: single nucleotide variant.
Coding change: c.362C>T on transcript NM_000593.6 (MANE Select); coding-DNA position 362, C replaced by T.
Protein change: p.Ala121Val; replaces alanine 121 with valine.
Molecular consequence: missense variant.
Genome position (GRCh38, 1-based): chr6:32,853,275, G>A on the plus strand (C>T on the coding strand, the complement: TAP1 is on the minus strand). VCF-style: chr6-32853275-G-A. GRCh37 (hg19) VCF-style: chr6-32821052-G-A.
Other names: c.542C>T (NM_000593.5); short protein forms A121V.
Identifiers: ClinVar variation 1386307 (VCV001386307.7), dbSNP rs762677297, ClinGen allele CA3747032.

ClinVar aggregate classification (germline): Conflicting classifications of pathogenicity. Review status: criteria provided, conflicting classifications (1 of 4 stars). 2 submissions from 2 submitters: Uncertain significance (1); Likely benign (1). Last evaluated 2022-02-28.

Conditions:
MHC class I deficiency. Identifiers: Orphanet 34592, MedGen C6024714, MONDO:0011476.
Inborn genetic diseases. Identifiers: MedGen C0950123, MeSH D030342.

Allele frequency attached by ClinVar (database versions not stated): gnomAD 0.00005 and 0.00004; gnomAD exomes 0.00005 and 0.00002; TOPMed 0.00006; ExAC 0.00007.
gnomAD v4.1: 36 of 1,587,444 alleles (0.0023%); highest among the groups gnomAD compares: African/African-American, 0.0067%; no homozygotes.

Submissions (2):

Labcorp Genetics (formerly Invitae), Labcorp
Classification: Uncertain significance for MHC class I deficiency 1. Last evaluated: 2022-02-28. Review status: criteria provided, single submitter. Criteria: Invitae Variant Classification Sherloc (09022015). Collection method: clinical testing. Allele origin: germline.
Comment: In summary, the available evidence is currently insufficient to determine the role of this variant in disease. Therefore, it has been classified as a Variant of Uncertain Significance. Algorithms developed to predict the effect of missense changes on protein structure and function output the following: SIFT: "Tolerated"; PolyPhen-2: "Benign"; Align-GVGD: "Class C0". The valine amino acid residue is found in multiple mammalian species, which suggests that this missense change does not adversely affect protein function. This variant has not been reported in the literature in individuals affected with TAP1-related conditions. This variant is present in population databases (rs762677297, gnomAD 0.01%). This sequence change replaces alanine, which is neutral and non-polar, with valine, which is neutral and non-polar, at codon 181 of the TAP1 protein (p.Ala181Val).

Ambry Genetics
Classification: Likely benign for Inborn genetic diseases. Last evaluated: 2021-07-16. Review status: criteria provided, single submitter. Criteria: Ambry Variant Classification Scheme 2023. Collection method: clinical testing. Allele origin: germline.